The following is an entry in ClinVar:

ClinVar aggregate classification (germline): Uncertain significance. Review status: criteria provided, multiple submitters, no conflicts (2 of 4 stars). 3 submissions from 3 submitters: Uncertain significance (3). Last evaluated 2026-02-02.

Conditions:
Hereditary cancer-predisposing syndrome. Also called: Hereditary neoplastic syndrome; Hereditary Cancer Syndrome; Tumor predisposition; Neoplastic Syndromes, Hereditary. Identifiers: Orphanet 140162, MedGen C0027672, MeSH D009386, MONDO:0015356.
Familial adenomatous polyposis 2. Also called: COLORECTAL ADENOMATOUS POLYPOSIS, AUTOSOMAL RECESSIVE; ADENOMAS, MULTIPLE COLORECTAL, AUTOSOMAL RECESSIVE; MUTYH Polyposis; MUTYH-related attenuated familial adenomatous polyposis; Adenomas, multiple colorectal; FAP type 2. Identifiers: Orphanet 220460, Orphanet 247798, MedGen C3272841, MONDO:0012041, OMIM 608456.

Submissions (3):

Labcorp Genetics (formerly Invitae), Labcorp
Classification: Uncertain significance for Familial adenomatous polyposis 2. Last evaluated: 2026-02-02. Review status: criteria provided, single submitter. Criteria: Invitae Variant Classification Sherloc (09022015). Collection method: clinical testing. Allele origin: germline.
Comment: This sequence change replaces cysteine, which is neutral and slightly polar, with phenylalanine, which is neutral and non-polar, at codon 51 of the MUTYH protein (p.Cys51Phe). This variant is not present in population databases (gnomAD no frequency). This variant has not been reported in the literature in individuals affected with MUTYH-related conditions. ClinVar contains an entry for this variant (Variation ID: 1171229). An algorithm developed to predict the effect of missense changes on protein structure and function (PolyPhen-2) suggests that this variant is likely to be tolerated. In summary, the available evidence is currently insufficient to determine the role of this variant in disease. Therefore, it has been classified as a Variant of Uncertain Significance.

Ambry Genetics
Classification: Uncertain significance for Hereditary cancer-predisposing syndrome. Last evaluated: 2025-08-27. Review status: criteria provided, single submitter. Criteria: Ambry Variant Classification Scheme 2023. Collection method: clinical testing. Allele origin: germline.
Comment: The p.C51F variant (also known as c.152G>T), located in coding exon 2 of the MUTYH gene, results from a G to T substitution at nucleotide position 152. The cysteine at codon 51 is replaced by phenylalanine, an amino acid with highly dissimilar properties. This amino acid position is conserved. In addition, this alteration is predicted to be tolerated by in silico analysis. Based on the available evidence, the clinical significance of this variant remains unclear.

Color Diagnostics, LLC DBA Color Health
Classification: Uncertain significance for Hereditary cancer-predisposing syndrome. Last evaluated: 2024-03-07. Review status: criteria provided, single submitter. Criteria: ACMG Guidelines, 2015. Collection method: clinical testing. Allele origin: germline.
Comment: This missense variant replaces cysteine with phenylalanine at codon 51 of the MUTYH protein. Computational prediction suggests that this variant may not impact protein structure and function (internally defined REVEL score threshold <= 0.5, PMID: 27666373). To our knowledge, functional studies have not been reported for this variant. This variant has not been reported in individuals affected with hereditary cancer in the literature. This variant has not been identified in the general population by the Genome Aggregation Database (gnomAD). The available evidence is insufficient to determine the role of this variant in disease conclusively. Therefore, this variant is classified as a Variant of Uncertain Significance.

NM_001048174.2(MUTYH):c.110G>T (p.Cys37Phe)

Gene: MUTYH (mutY DNA glycosylase; minus strand). Cytogenetic location: 1p34.1.
Variant type: single nucleotide variant.
Coding change: c.110G>T on transcript NM_001048174.2 (MANE Select); coding-DNA position 110, G replaced by T.
Protein change: p.Cys37Phe; replaces cysteine 37 with phenylalanine.
Molecular consequence: missense variant. On other transcripts: 5 prime UTR variant (4), non-coding transcript variant (2).
Genome position (GRCh38, 1-based): chr1:45,334,396, C>A on the plus strand (G>T on the coding strand, the complement: MUTYH is on the minus strand). VCF-style: chr1-45334396-C-A. GRCh37 (hg19) VCF-style: chr1-45800068-C-A.
Other names: c.110G>T, p.Cys37Phe (NM_001048171.2, NM_001048172.2, NM_001048173.2 and 2 more transcripts); c.152G>T, p.Cys51Phe (NM_001128425.2, NM_001293190.2, NM_012222.3); c.-103G>T (NM_001293192.2, NM_001293196.2); c.-162G>T (NM_001350650.2); c.-98G>T (NM_001350651.2); short protein forms C37F, C51F.
Identifiers: ClinVar variation 1171229 (VCV001171229.5), dbSNP rs1476095647, ClinGen allele CA340136940.